The following is an entry in ClinVar:

ClinVar aggregate classification (germline): Pathogenic (1 of 4 stars; one submission).

Submission:

Labcorp Genetics (formerly Invitae), Labcorp
Classification: Pathogenic. Last evaluated: 2021-10-22. Review status: criteria provided, single submitter. Criteria: Invitae Variant Classification Sherloc (09022015). Collection method: clinical testing. Allele origin: germline.
Comment: For these reasons, this variant has been classified as Pathogenic. This variant has not been reported in the literature in individuals affected with C3-related conditions. This variant is a gross deletion of the genomic region encompassing exon(s) 1-4 of the C3 gene, which includes the initiator codon. This deletion extends beyond the assayed region for this gene and therefore may encompass additional genes. It is expected to result in an absent or disrupted protein product. Loss-of-function variants in C3 are known to be pathogenic (PMID: 12462331, 14639503, 21501302).

Literature cited by the submitters: PubMed 12462331; PubMed 14639503; PubMed 21501302.

NC_000019.9:g.(?_6718085)_(6720600_?)del

Gene: C3 (complement C3; minus strand). Cytogenetic location: 19p13.3.
Variant type: Deletion.
Identifiers: ClinVar variation 2422288 (VCV002422288.4).